The following is an entry in ClinVar:

NM_003119.4(SPG7):c.1664-15C>A

Gene: SPG7 (SPG7 matrix AAA peptidase subunit, paraplegin; plus strand). Cytogenetic location: 16q24.3.
Variant type: single nucleotide variant.
Coding change: c.1664-15C>A on transcript NM_003119.4 (MANE Select); 15 bases into the intron before coding-DNA position 1664, C replaced by A.
Molecular consequence: intron variant.
Genome position (GRCh38, 1-based): chr16:89,550,479, C>A. VCF-style: chr16-89550479-C-A. GRCh37 (hg19) VCF-style: chr16-89616887-C-A.
Other names: c.1664-15C>A (NM_001363850.1).
Identifiers: ClinVar variation 139243 (VCV000139243.16), dbSNP rs80292600, ClinGen allele CA293668.

ClinVar aggregate classification (germline): Benign/Likely benign. Review status: criteria provided, multiple submitters, no conflicts (2 of 4 stars). 5 submissions from 5 submitters: Benign (4); Likely benign (1). Last evaluated 2026-01-28.

Conditions:
Hereditary spastic paraplegia 7 (SPG7). Also called: SPG7-related neurologic disorder; Spastic paraplegia 7; Hereditary spastic paraplegia Paraplegin type; Autosomal recessive spastic paraplegia type 7; SPASTIC PARAPLEGIA 7, AUTOSOMAL RECESSIVE, WITH OR WITHOUT CEREBELLAR ATAXIA. Identifiers: Orphanet 99013, MedGen C1846564, MONDO:0011803, OMIM 607259.

Allele frequency attached by ClinVar (database versions not stated): gnomAD 0.01888 and 0.01756; ESP Exome Variant Server 0.02031; 1000 Genomes Project 0.01518; 1000 Genomes Project 30x 0.01624; gnomAD exomes 0.00449; ExAC 0.00538; TOPMed 0.01949.
gnomAD v4.1: 5,178 of 1,593,080 alleles (0.33%); highest among the groups gnomAD compares: African/African-American, 6.1%; 148 homozygotes.

Submissions (19):

Labcorp Genetics (formerly Invitae), Labcorp
Classification: Benign for Hereditary spastic paraplegia 7. Last evaluated: 2026-01-28. Review status: criteria provided, single submitter. Criteria: Invitae Variant Classification Sherloc (09022015). Collection method: clinical testing. Allele origin: germline.

Fulgent Genetics
Classification: Likely benign for Hereditary spastic paraplegia 7. Last evaluated: 2022-04-28. Review status: criteria provided, single submitter. Criteria: ACMG Guidelines, 2015. Collection method: clinical testing. Allele origin: unknown.

Illumina Laboratory Services, Illumina
Classification: Benign for Hereditary spastic paraplegia 7. Last evaluated: 2017-04-27. Review status: criteria provided, single submitter. Criteria: ICSL Variant Classification Criteria 13 December 2019. Collection method: clinical testing. Allele origin: germline.
Comment: This variant was observed as part of a predisposition screen in an ostensibly healthy population. A literature search was performed for the gene, cDNA change, and amino acid change (where applicable). No publications were found based on this search. Allele frequency data from public databases was too high to be consistent with this variant causing disease. Therefore, this variant is classified as benign.

GeneDx
Classification: Benign. Last evaluated: 2014-04-17. Review status: criteria provided, single submitter. Criteria: GeneDx Variant Classification (06012015). Collection method: clinical testing. Allele origin: germline. Affected: yes.
Comment: This variant is considered likely benign or benign based on one or more of the following criteria: it is a conservative change, it occurs at a poorly conserved position in the protein, it is predicted to be benign by multiple in silico algorithms, and/or has population frequency not consistent with disease.

Breakthrough Genomics
Classification: Benign. Review status: criteria provided, single submitter. Criteria: ACMG Guidelines, 2015. Collection method: not provided. Allele origin: germline. Inheritance: Autosomal recessive inheritance. Affected: yes.

Dr. Peter K. Rogan Lab, Western University
No classification provided (evidence only). Condition: Lung cancer. Review status: no classification provided. Collection method: in vitro. Allele origin: not applicable. Functional consequence: retained intron. Not counted in ClinVar's aggregate classification.

Dr. Peter K. Rogan Lab, Western University
No classification provided (evidence only). Condition: Lung cancer. Review status: no classification provided. Collection method: in vitro. Allele origin: not applicable. Functional consequence: retained intron. Not counted in ClinVar's aggregate classification.

Dr. Peter K. Rogan Lab, Western University
No classification provided (evidence only). Condition: Lung cancer. Review status: no classification provided. Collection method: in vitro. Allele origin: not applicable. Functional consequence: retained intron. Not counted in ClinVar's aggregate classification.

Dr. Peter K. Rogan Lab, Western University
No classification provided (evidence only). Condition: Acute myeloid leukemia. Review status: no classification provided. Collection method: in vitro. Allele origin: not applicable. Functional consequence: retained intron. Not counted in ClinVar's aggregate classification.

Dr. Peter K. Rogan Lab, Western University
No classification provided (evidence only). Condition: Thyroid cancer, nonmedullary, 1. Review status: no classification provided. Collection method: in vitro. Allele origin: not applicable. Functional consequence: retained intron. Not counted in ClinVar's aggregate classification.

Dr. Peter K. Rogan Lab, Western University
No classification provided (evidence only). Condition: Thyroid cancer, nonmedullary, 1. Review status: no classification provided. Collection method: in vitro. Allele origin: not applicable. Functional consequence: skipped exon. Not counted in ClinVar's aggregate classification.

Dr. Peter K. Rogan Lab, Western University
No classification provided (evidence only). Condition: Thyroid cancer, nonmedullary, 1. Review status: no classification provided. Collection method: in vitro. Allele origin: not applicable. Functional consequence: skipped exon, retained intron. Not counted in ClinVar's aggregate classification.

Dr. Peter K. Rogan Lab, Western University
No classification provided (evidence only). Condition: Uterine corpus endometrial carcinoma. Review status: no classification provided. Collection method: in vitro. Allele origin: not applicable. Functional consequence: retained intron. Not counted in ClinVar's aggregate classification.

Dr. Peter K. Rogan Lab, Western University
No classification provided (evidence only). Condition: Uterine corpus endometrial carcinoma. Review status: no classification provided. Collection method: in vitro. Allele origin: not applicable. Functional consequence: retained intron. Not counted in ClinVar's aggregate classification.

Dr. Peter K. Rogan Lab, Western University
No classification provided (evidence only). Condition: Uterine corpus endometrial carcinoma. Review status: no classification provided. Collection method: in vitro. Allele origin: not applicable. Functional consequence: skipped exon. Not counted in ClinVar's aggregate classification.

Dr. Peter K. Rogan Lab, Western University
No classification provided (evidence only). Condition: Cervical cancer. Review status: no classification provided. Collection method: in vitro. Allele origin: not applicable. Functional consequence: retained intron. Not counted in ClinVar's aggregate classification.

Dr. Peter K. Rogan Lab, Western University
No classification provided (evidence only). Condition: Sarcoma. Review status: no classification provided. Collection method: in vitro. Allele origin: not applicable. Functional consequence: retained intron. Not counted in ClinVar's aggregate classification.

Dr. Peter K. Rogan Lab, Western University
No classification provided (evidence only). Condition: Ovarian serous cystadenocarcinoma. Review status: no classification provided. Collection method: in vitro. Allele origin: not applicable. Functional consequence: retained intron. Not counted in ClinVar's aggregate classification.

Dr. Peter K. Rogan Lab, Western University
No classification provided (evidence only). Condition: Malignant tumor of esophagus. Review status: no classification provided. Collection method: in vitro. Allele origin: not applicable. Functional consequence: skipped exon, retained intron. Not counted in ClinVar's aggregate classification.